The following is an entry in ClinVar:

NM_004259.7(RECQL5):c.2631C>G (p.Pro877=)

Gene: RECQL5 (RecQ like helicase 5; minus strand). Cytogenetic location: 17q25.1.
Variant type: single nucleotide variant.
Coding change: c.2631C>G on transcript NM_004259.7 (MANE Select); coding-DNA position 2631, C replaced by G.
Protein change: p.Pro877=; no amino-acid change (proline 877 retained).
Molecular consequence: synonymous variant.
Genome position (GRCh38, 1-based): chr17:75,628,392, G>C on the plus strand (C>G on the coding strand, the complement: RECQL5 is on the minus strand). VCF-style: chr17-75628392-G-C. GRCh37 (hg19) VCF-style: chr17-73624472-G-C.
Identifiers: ClinVar variation 3055107 (VCV003055107.2), dbSNP rs775616163, ClinGen allele CA8766974.

ClinVar aggregate classification (germline): Likely benign (0 of 4 stars; one submission).

Conditions:
RECQL5-related disorder. Also called: RECQL5-related condition.

Allele frequency attached by ClinVar (database versions not stated): gnomAD exomes 0.00001; ExAC 0.00002; gnomAD 0.00002; TOPMed 0.00002.
gnomAD v4.1: 18 of 1,613,860 alleles (0.0011%); highest among the groups gnomAD compares: Admixed American, 0.015%; no homozygotes.

Submission:

PreventionGenetics, part of Exact Sciences
Classification: Likely benign for RECQL5-related condition. Last evaluated: 2023-01-19. Review status: no assertion criteria provided. Collection method: clinical testing. Allele origin: germline.
Comment: This variant is classified as likely benign based on ACMG/AMP sequence variant interpretation guidelines (Richards et al. 2015 PMID: 25741868, with internal and published modifications).